The following is an entry in ClinVar:

ClinVar aggregate classification (germline): Uncertain significance (1 of 4 stars; one submission).

Conditions:
Hereditary spastic paraplegia 4. Also called: Spastic paraplegia 4, autosomal dominant; Spastic Paraplegia 4; Familial spastic paraplegia autosomal dominant 2. Identifiers: Orphanet 100985, MedGen C1866855, MONDO:0008438, OMIM 182601.

Submission:

Labcorp Genetics (formerly Invitae), Labcorp
Classification: Uncertain significance for Hereditary spastic paraplegia 4. Last evaluated: 2025-07-06. Review status: criteria provided, single submitter. Criteria: Invitae Variant Classification Sherloc (09022015). Collection method: clinical testing. Allele origin: germline.
Comment: This sequence change replaces threonine, which is neutral and polar, with serine, which is neutral and polar, at codon 255 of the SPAST protein (p.Thr255Ser). This variant is not present in population databases (gnomAD no frequency). This variant has not been reported in the literature in individuals affected with SPAST-related conditions. Invitae Evidence Modeling of protein sequence and biophysical properties (such as structural, functional, and spatial information, amino acid conservation, physicochemical variation, residue mobility, and thermodynamic stability) indicates that this missense variant is not expected to disrupt SPAST protein function with a negative predictive value of 95%. In summary, the available evidence is currently insufficient to determine the role of this variant in disease. Therefore, it has been classified as a Variant of Uncertain Significance.

NM_014946.4(SPAST):c.764C>G (p.Thr255Ser)

Gene: SPAST (spastin; plus strand). Cytogenetic location: 2p22.3.
Variant type: single nucleotide variant.
Coding change: c.764C>G on transcript NM_014946.4 (MANE Select); coding-DNA position 764, C replaced by G.
Protein change: p.Thr255Ser; replaces threonine 255 with serine.
Molecular consequence: missense variant.
Genome position (GRCh38, 1-based): chr2:32,114,719, C>G. VCF-style: chr2-32114719-C-G. GRCh37 (hg19) VCF-style: chr2-32339788-C-G.
Other names: c.761C>G, p.Thr254Ser (NM_001363823.2); c.665C>G, p.Thr222Ser (NM_001363875.2); c.668C>G, p.Thr223Ser (NM_001377959.1, NM_199436.2); short protein forms T222S, T223S, T255S, T254S.
Identifiers: ClinVar variation 4750212 (VCV004750212.1).